The following is an entry in ClinVar:

ClinVar aggregate classification (germline): Uncertain significance. Review status: criteria provided, multiple submitters, no conflicts (2 of 4 stars). 4 submissions from 4 submitters: Uncertain significance (4). Last evaluated 2026-09-24.

Conditions:
Senior-Loken syndrome 7 (SLSN7). Identifiers: Orphanet 3156, MedGen C3150877, MONDO:0013326, OMIM 613615.
Bardet-Biedl syndrome 16 (BBS16). Identifiers: Orphanet 110, MedGen C3889474, MONDO:0014444, OMIM 615993.
SDCCAG8-related disorder. Also called: SDCCAG8-Related Disorders; SDCCAG8-related condition.
Inborn genetic diseases. Identifiers: MedGen C0950123, MeSH D030342.

Allele frequency attached by ClinVar (database versions not stated): ExAC 0.00001; gnomAD exomes 0.00001; gnomAD 0.00002; TOPMed 0.00002; ESP Exome Variant Server 0.00008.
gnomAD v4.1: 24 of 1,613,798 alleles (0.0015%); highest among the groups gnomAD compares: Middle Eastern, 0.016%; no homozygotes.

Submissions (4):

PreventionGenetics, part of Exact Sciences
Classification: Uncertain significance for SDCCAG8-related condition. Last evaluated: 2026-09-24. Review status: criteria provided, single submitter. Criteria: ACMG Guidelines, 2015. Collection method: clinical testing. Allele origin: germline.
Comment: The SDCCAG8 c.472G>A variant is predicted to result in the amino acid substitution p.Glu158Lys. To our knowledge, this variant has not been reported in the literature. This variant is reported in 0.0040% of alleles in individuals of African descent in gnomAD. At this time, the clinical significance of this variant is uncertain due to the absence of conclusive functional and genetic evidence.

Ambry Genetics
Classification: Uncertain significance for Inborn genetic diseases. Last evaluated: 2024-08-10. Review status: criteria provided, single submitter. Criteria: Ambry Variant Classification Scheme 2023. Collection method: clinical testing. Allele origin: germline.

Labcorp Genetics (formerly Invitae), Labcorp
Classification: Uncertain significance for Bardet-Biedl syndrome 16; Senior-Loken syndrome 7. Last evaluated: 2022-04-09. Review status: criteria provided, single submitter. Criteria: Invitae Variant Classification Sherloc (09022015). Collection method: clinical testing. Allele origin: germline.
Comment: This variant is present in population databases (rs367590060, gnomAD 0.004%). This sequence change replaces glutamic acid, which is acidic and polar, with lysine, which is basic and polar, at codon 158 of the SDCCAG8 protein (p.Glu158Lys). This variant has not been reported in the literature in individuals affected with SDCCAG8-related conditions. In summary, the available evidence is currently insufficient to determine the role of this variant in disease. Therefore, it has been classified as a Variant of Uncertain Significance. Algorithms developed to predict the effect of missense changes on protein structure and function (SIFT, PolyPhen-2, Align-GVGD) all suggest that this variant is likely to be disruptive.

Blueprint Genetics
Classification: Uncertain significance. Last evaluated: 2021-06-25. Review status: criteria provided, single submitter. Criteria: ACMG Guidelines, 2015. Collection method: clinical testing. Allele origin: germline.

NM_006642.5(SDCCAG8):c.472G>A (p.Glu158Lys)

Gene: SDCCAG8 (SHH signaling and ciliogenesis regulator SDCCAG8; plus strand). Cytogenetic location: 1q43.
Variant type: single nucleotide variant.
Coding change: c.472G>A on transcript NM_006642.5 (MANE Select); coding-DNA position 472, G replaced by A.
Protein change: p.Glu158Lys; replaces glutamic acid 158 with lysine.
Molecular consequence: missense variant. On other transcripts: 5 prime UTR variant (3).
Genome position (GRCh38, 1-based): chr1:243,286,323, G>A. VCF-style: chr1-243286323-G-A. GRCh37 (hg19) VCF-style: chr1-243449625-G-A.
Other names: c.472G>A (NM_006642.3); c.-641G>A (NM_001350246.2); c.-529G>A (NM_001350247.2); c.472G>A, p.Glu158Lys (NM_001350248.2); c.178G>A, p.Glu60Lys (NM_001350249.2); c.-902G>A (NM_001350251.2); short protein forms E60K, E158K.
Identifiers: ClinVar variation 1925839 (VCV001925839.7), dbSNP rs367590060, ClinGen allele CA1483319.
Genomic context (GRCh38, chr1:243,286,323, plus strand): 5'-TTATTATAGGAGGAACTCTCTGGAATGAAAAATAAAATACAAGTAGTTGTGCTTGAAAAC[G>A]AAGGGCTCCAGCAACAGCTAAAATCTCAAAGACAAGAGGAGACACTGAGGGAACAAACAC-3'
Protein context (NP_006633.1, residues 148-168): NKIQVVVLEN[Glu158Lys]GLQQQLKSQR